The following is an entry in ClinVar:

ClinVar aggregate classification (germline): Uncertain significance (1 of 4 stars; one submission).

Submission:

GeneDx
Classification: Uncertain significance. Last evaluated: 2023-12-14. Review status: criteria provided, single submitter. Criteria: GeneDx Variant Classification Process June 2021. Collection method: clinical testing. Allele origin: germline. Affected: yes.
Comment: Not observed at significant frequency in large population cohorts (gnomAD); In silico analysis supports that this missense variant has a deleterious effect on protein structure/function; Has not been previously published as pathogenic or benign to our knowledge

NM_181523.3(PIK3R1):c.2008T>C (p.Cys670Arg)

Gene: PIK3R1 (phosphoinositide-3-kinase regulatory subunit 1; plus strand). Cytogenetic location: 5q13.1.
Variant type: single nucleotide variant.
Coding change: c.2008T>C on transcript NM_181523.3 (MANE Select); coding-DNA position 2008, T replaced by C.
Protein change: p.Cys670Arg; replaces cysteine 670 with arginine.
Molecular consequence: missense variant.
Genome position (GRCh38, 1-based): chr5:68,297,434, T>C. VCF-style: chr5-68297434-T-C. GRCh37 (hg19) VCF-style: chr5-67593262-T-C.
Other names: c.919T>C, p.Cys307Arg (NM_001242466.2); c.1198T>C, p.Cys400Arg (NM_181504.4); c.1108T>C, p.Cys370Arg (NM_181524.2); short protein forms C307R, C370R, C400R, C670R.
Identifiers: ClinVar variation 3365509 (VCV003365509.1).
Genomic context (GRCh38, chr5:68,297,434, plus strand): 5'-ACAAGCTCAAAAGACAGTTTTTCTTCTCTCCTCTCTAGGGTGGACGGCGAAGTAAAGCAT[T>C]GTGTCATAAACAAAACAGCAACTGGCTATGGCTTTGCCGAGCCCTATAACTTGTACAGCT-3'
Protein context (NP_852664.1, residues 660-680): SVVVDGEVKH[Cys670Arg]VINKTATGYG